The following is an entry in ClinVar:

NM_014797.3(ZBTB24):c.747_754dup (p.Arg252fs)

Gene: ZBTB24 (zinc finger and BTB domain containing 24; minus strand). Cytogenetic location: 6q21.
Variant type: Duplication.
Coding change: c.747_754dup on transcript NM_014797.3 (MANE Select); coding-DNA positions 747 to 754, 8 bases duplicated (CCAGAGTC; older notation c.747_754dupCCAGAGTC).
Protein change: p.Arg252fs; shifts the reading frame from arginine 252.
Molecular consequence: frameshift variant.
Genome position (GRCh38, 1-based): chr6:109,481,273-109,481,280, GACTCTGG duplicated on the plus strand (CCAGAGTC on the coding strand, the reverse complement: ZBTB24 is on the minus strand). VCF-style (leftmost placement, unchanged base first): chr6-109481272-C-CGACTCTGG. GRCh37 (hg19) VCF-style: chr6-109802475-C-CGACTCTGG.
Other names: c.747_754dup, p.Arg252fs (NM_001164313.2); short protein forms R252fs.
Identifiers: ClinVar variation 2664887 (VCV002664887.1), dbSNP rs2482881376, ClinGen allele CA2695198320.
Genomic context (GRCh38, chr6:109,481,272, plus strand): 5'-TCCCCAACAAGTTTGTAATCTTTAAGTTTGACGGATCTCCAAATCCTCCGCTTGCTGTAT[C>CGACTCTGG]GACTCTGGCTTGCCTGGCCATCCTCGGTCTTGGGATCATAGTTCTCATCTTTTTCAACTG-3'

ClinVar aggregate classification (germline): Likely pathogenic (1 of 4 stars; one submission).

Conditions:
Immunodeficiency-centromeric instability-facial anomalies syndrome 2 (ICF2). Identifiers: Orphanet 2268, MedGen C3279748, MONDO:0013553, OMIM 614069.

Submission:

Neuberg Centre For Genomic Medicine, NCGM
Classification: Likely pathogenic for Immunodeficiency-centromeric instability-facial anomalies syndrome 2. Last evaluated: 2023-03-01. Review status: criteria provided, single submitter. Criteria: ACMG Guidelines, 2015. Collection method: clinical testing. Allele origin: germline. Inheritance: Autosomal recessive inheritance. Affected: yes.
Comment: The frame shift c.747_754dup(p.Arg252ProfsTer61) variant in ZBTB24 gene has not been reported previously as a pathogenic variant nor as a benign variant, to our knowledge. The p.Arg252ProfsTer61 variant is novel (not in any individuals) in gnomAD Exomes and 1000 Genomes. This variant has not been reported to the ClinVar database. This variant causes a frameshift starting with codon Arginine 252, changes this amino acid to Proline residue, and creates a premature Stop codon at position 61 of the new reading frame, denoted p.Arg252ProfsTer61. This variant is predicted to cause loss of normal protein function through protein truncation. Loss of function variants have been previously reported to be disease causing. For these reasons, this variant has been classified as Likely Pathogenic.